The following is an entry in ClinVar:

NM_001318876.2(POLR1C):c.968G>A (p.Ser323Asn)

Genes: POLR1C (RNA polymerase I and III subunit C; plus strand), XPO5 (exportin 5; minus strand). Cytogenetic location: 6p21.1.
Variant type: single nucleotide variant.
Coding change: c.968G>A on transcript NM_001318876.2; coding-DNA position 968, G replaced by A.
Protein change: p.Ser323Asn; replaces serine 323 with asparagine.
Molecular consequence: missense variant. On other transcripts: intron variant (2).
Genome position (GRCh38, 1-based): chr6:43,529,294, G>A. VCF-style: chr6-43529294-G-A. GRCh37 (hg19) VCF-style: chr6-43497032-G-A.
Other names: c.922+8246G>A (NM_001363658.2); c.2678-369C>T (NM_020750.3); short protein forms S323N.
Identifiers: ClinVar variation 4988870 (VCV004988870.1).

ClinVar aggregate classification (germline): Likely benign (1 of 4 stars; one submission).

Conditions:
POLR1C-related disorder. Also called: POLR1C-related condition; POLR1C-related disorders. Identifiers: MedGen CN239394, MONDO:0700278.

gnomAD v4.1: 38 of 1,230,986 alleles (0.0031%); highest among the groups gnomAD compares: East Asian, 0.16%; no homozygotes.

Submission:

PreventionGenetics, part of Exact Sciences
Classification: Likely benign for POLR1C-related condition. Last evaluated: 2026-08-10. Review status: criteria provided, single submitter. Criteria: ACMG Guidelines, 2015. Collection method: clinical testing. Allele origin: germline.
Comment: This variant is classified as likely benign based on ACMG/AMP sequence variant interpretation guidelines (Richards et al. 2015 PMID: 25741868, with internal and published modifications).